The following is an entry in ClinVar:

ClinVar aggregate classification (germline): Uncertain significance (1 of 4 stars; one submission).

Conditions:
Bloom syndrome (BLM). Also called: Bloom-Torre-Machacek syndrome. Identifiers: Orphanet 125, MedGen C0005859, MONDO:0008876, OMIM 210900.

Submission:

Labcorp Genetics (formerly Invitae), Labcorp
Classification: Uncertain significance for Bloom syndrome. Last evaluated: 2022-06-22. Review status: criteria provided, single submitter. Criteria: Invitae Variant Classification Sherloc (09022015). Collection method: clinical testing. Allele origin: germline.
Comment: In summary, the available evidence is currently insufficient to determine the role of this variant in disease. Therefore, it has been classified as a Variant of Uncertain Significance. This sequence change replaces alanine, which is neutral and non-polar, with valine, which is neutral and non-polar, at codon 1177 of the BLM protein (p.Ala1177Val). This variant is not present in population databases (gnomAD no frequency). This variant has not been reported in the literature in individuals affected with BLM-related conditions. Algorithms developed to predict the effect of missense changes on protein structure and function are either unavailable or do not agree on the potential impact of this missense change (SIFT: "Tolerated"; PolyPhen-2: "Probably Damaging"; Align-GVGD: "Class C0").

NM_000057.4(BLM):c.3530C>T (p.Ala1177Val)

Gene: BLM (BLM RecQ like helicase; plus strand). Cytogenetic location: 15q26.1.
Variant type: single nucleotide variant.
Coding change: c.3530C>T on transcript NM_000057.4 (MANE Select); coding-DNA position 3530, C replaced by T.
Protein change: p.Ala1177Val; replaces alanine 1177 with valine.
Molecular consequence: missense variant. On other transcripts: intron variant (1).
Genome position (GRCh38, 1-based): chr15:90,803,692, C>T. VCF-style: chr15-90803692-C-T. GRCh37 (hg19) VCF-style: chr15-91346922-C-T.
Other names: c.3530C>T, p.Ala1177Val (NM_001287246.2); c.2405C>T, p.Ala802Val (NM_001287248.2); c.3358+5355C>T (NM_001287247.2); short protein forms A1177V, A802V.
Identifiers: ClinVar variation 2185750 (VCV002185750.4), dbSNP rs2505547774, ClinGen allele CA393847803.